The following is an entry in ClinVar:

ClinVar aggregate classification (germline): Likely benign (1 of 4 stars; one submission).

Conditions:
Diabetes insipidus, nephrogenic, autosomal (NDI2). Also called: Nephrogenic Diabetes Insipidus, Type II; Diabetes insipidus, nephrogenic, 2, autosomal. Identifiers: Orphanet 223, MedGen C1563706, MONDO:0007451, OMIM 125800.

Allele frequency attached by ClinVar (database versions not stated): gnomAD 0.00003 and 0.00008; TOPMed 0.00009; 1000 Genomes Project 30x 0.00047; 1000 Genomes Project 0.00060.

Submission:

Illumina Laboratory Services, Illumina
Classification: Likely benign for Diabetes insipidus, nephrogenic, autosomal. Last evaluated: 2018-01-13. Review status: criteria provided, single submitter. Criteria: ICSL Variant Classification Criteria 13 December 2019. Collection method: clinical testing. Allele origin: germline.
Comment: This variant was observed in the ICSL laboratory as part of a predisposition screen in an ostensibly healthy population. It had not been previously curated by ICSL or reported in the Human Gene Mutation Database (HGMD: prior to June 1st, 2018), and was therefore a candidate for classification through an automated scoring system. Utilizing variant allele frequency, disease prevalence and penetrance estimates, and inheritance mode, an automated score was calculated to assess if this variant is too frequent to cause the disease. Based on the score and internal cut-off values, a variant classified as likely benign is not then subjected to further curation. The score for this variant resulted in a classification of likely benign for this disease.

NM_000486.6(AQP2):c.*2048G>A

Genes: AQP2 (aquaporin 2; plus strand), AQP5-AS1 (AQP5 and AQP2 antisense RNA 2; minus strand). Cytogenetic location: 12q13.12.
Variant type: single nucleotide variant.
Coding change: c.*2048G>A on transcript NM_000486.6 (MANE Select); 2048 bases downstream of the stop codon, G replaced by A.
Molecular consequence: 3 prime UTR variant.
Genome position (GRCh38, 1-based): chr12:49,957,656, G>A. VCF-style: chr12-49957656-G-A. GRCh37 (hg19) VCF-style: chr12-50351439-G-A.
Identifiers: ClinVar variation 309260 (VCV000309260.5), dbSNP rs573139693, ClinGen allele CA10637784.
Genomic context (GRCh38, chr12:49,957,656, plus strand): 5'-TCCTTGACCAAAGCTCTCTTTGAGGTCCAAAAAAGGCTGCCCTGGGCCATATGTGCTATG[G>A]AGAGGACTCTCCCAAACCCCCAATAGCTAGTGACAGCCACTTGGCCTCACTACCAGAAGA-3'